The following is an entry in ClinVar:

ClinVar aggregate classification (germline): Likely benign. Review status: criteria provided, multiple submitters, no conflicts (2 of 4 stars). 3 submissions from 3 submitters: Likely benign (3). Last evaluated 2025-12-15.

Conditions:
RP1-related disorder. Also called: RP1-related condition.

Allele frequency attached by ClinVar (database versions not stated): gnomAD exomes 0.00001; ExAC 0.00002; gnomAD 0.00003; TOPMed 0.00005.
gnomAD v4.1: 29 of 1,613,878 alleles (0.0018%); highest among the groups gnomAD compares: Admixed American, 0.03%; no homozygotes.

Submissions (3):

Labcorp Genetics (formerly Invitae), Labcorp
Classification: Likely benign. Last evaluated: 2025-12-15. Review status: criteria provided, single submitter. Criteria: Invitae Variant Classification Sherloc (09022015). Collection method: clinical testing. Allele origin: germline.

PreventionGenetics, part of Exact Sciences
Classification: Likely benign for RP1-related condition. Last evaluated: 2025-10-19. Review status: criteria provided, single submitter. Criteria: ACMG Guidelines, 2015. Collection method: clinical testing. Allele origin: germline.
Comment: This variant is classified as likely benign based on ACMG/AMP sequence variant interpretation guidelines (Richards et al. 2015 PMID: 25741868, with internal and published modifications).

Blueprint Genetics
Classification: Likely benign. Last evaluated: 2024-05-17. Review status: criteria provided, single submitter. Criteria: ACMG Guidelines, 2015. Collection method: clinical testing. Allele origin: germline.

NM_006269.2(RP1):c.4200C>T (p.Gly1400=)

Gene: RP1 (RP1 axonemal microtubule associated; plus strand). Cytogenetic location: 8q12.1.
Variant type: single nucleotide variant.
Coding change: c.4200C>T on transcript NM_006269.2 (MANE Select); coding-DNA position 4200, C replaced by T.
Protein change: p.Gly1400=; no amino-acid change (glycine 1400 retained).
Molecular consequence: synonymous variant. On other transcripts: intron variant (1).
Genome position (GRCh38, 1-based): chr8:54,628,082, C>T. VCF-style: chr8-54628082-C-T. GRCh37 (hg19) VCF-style: chr8-55540642-C-T.
Other names: c.787+5794C>T (NM_001375654.1).
Identifiers: ClinVar variation 798607 (VCV000798607.12), dbSNP rs770815082, ClinGen allele CA4751818.
Genomic context (GRCh38, chr8:54,628,082, plus strand): 5'-TAAAAATGGATTTAATACATTGGTGTCACATCAAAATGTCAGTAATTTAAGCTCCTGTGG[C>T]CTTTGCCTAAGTGAAAAAGAAGCAGAACTTGATAAGAAACATAGTTCTCTAGATGATTTT-3'
Protein context (NP_006260.1, residues 1390-1410): HQNVSNLSSC[Gly1400=]LCLSEKEAEL